The following is an entry in ClinVar:

NM_000091.5(COL4A3):c.3328G>C (p.Gly1110Arg)

Genes: COL4A3 (collagen type IV alpha 3 chain; plus strand), MFF-DT (MFF divergent transcript; minus strand). Cytogenetic location: 2q36.3.
Variant type: single nucleotide variant.
Coding change: c.3328G>C on transcript NM_000091.5 (MANE Select); coding-DNA position 3328, G replaced by C.
Protein change: p.Gly1110Arg; replaces glycine 1110 with arginine.
Molecular consequence: missense variant.
Genome position (GRCh38, 1-based): chr2:227,293,308, G>C. VCF-style: chr2-227293308-G-C. GRCh37 (hg19) VCF-style: chr2-228158024-G-C.
Other names: short protein forms G1110R.
Identifiers: ClinVar variation 2175437 (VCV002175437.6), dbSNP rs752898968, ClinGen allele CA2147183.

ClinVar aggregate classification (germline): Uncertain significance. Review status: criteria provided, multiple submitters, no conflicts (2 of 4 stars). 3 submissions from 3 submitters: Uncertain significance (3). Last evaluated 2026-03-02.

Conditions:
Inborn genetic diseases. Identifiers: MedGen C0950123, MeSH D030342.

Allele frequency attached by ClinVar (database versions not stated): gnomAD exomes 0.00001; TOPMed 0.00001; ExAC 0.00001; gnomAD 0.00001.
gnomAD v4.1: 4 of 1,613,670 alleles (0.00025%); highest among the groups gnomAD compares: Non-Finnish European, 0.00034%; no homozygotes.

Submissions (3):

Ambry Genetics
Classification: Uncertain significance for Inborn genetic diseases. Last evaluated: 2026-03-02. Review status: criteria provided, single submitter. Criteria: Ambry Variant Classification Scheme 2023. Collection method: clinical testing. Allele origin: germline.

Women's Health and Genetics/Laboratory Corporation of America, LabCorp
Classification: Uncertain significance. Last evaluated: 2026-01-26. Review status: criteria provided, single submitter. Criteria: LabCorp Variant Classification Summary - May 2015. Collection method: clinical testing. Allele origin: germline.
Comment: Variant summary: COL4A3 c.3328G>C (p.Gly1110Arg) results in a non-conservative amino acid change in the encoded protein sequence. Algorithms developed to predict the effect of missense changes on protein structure and function all suggest that this variant is likely to be disruptive. The variant allele was found at a frequency of 8e-06 in 249344 control chromosomes. The available data on variant occurrences in the general population are insufficient to allow any conclusion about variant significance. To our knowledge, no occurrence of c.3328G>C in individuals affected with COL4A3-related conditions and no experimental evidence demonstrating its impact on protein function have been reported. ClinVar contains an entry for this variant (Variation ID: 2175437). Based on the evidence outlined above, the variant was classified as uncertain significance.

Labcorp Genetics (formerly Invitae), Labcorp
Classification: Uncertain significance. Last evaluated: 2024-10-15. Review status: criteria provided, single submitter. Criteria: Invitae Variant Classification Sherloc (09022015). Collection method: clinical testing. Allele origin: germline.
Comment: This sequence change replaces glycine, which is neutral and non-polar, with arginine, which is basic and polar, at codon 1110 of the COL4A3 protein (p.Gly1110Arg). This variant is present in population databases (rs752898968, gnomAD 0.002%). This variant has not been reported in the literature in individuals affected with COL4A3-related conditions. ClinVar contains an entry for this variant (Variation ID: 2175437). Invitae Evidence Modeling of protein sequence and biophysical properties (such as structural, functional, and spatial information, amino acid conservation, physicochemical variation, residue mobility, and thermodynamic stability) indicates that this missense variant is expected to disrupt COL4A3 protein function with a positive predictive value of 80%. In summary, the available evidence is currently insufficient to determine the role of this variant in disease. Therefore, it has been classified as a Variant of Uncertain Significance.